The following is an entry in ClinVar:

ClinVar aggregate classification (germline): Conflicting classifications of pathogenicity. Review status: criteria provided, conflicting classifications (1 of 4 stars). 3 submissions from 3 submitters: Uncertain significance (2); Likely benign (1). Last evaluated 2024-12-05.

Conditions:
Hereditary cancer-predisposing syndrome. Also called: Neoplastic Syndromes, Hereditary; Tumor predisposition; Hereditary Cancer Syndrome; Hereditary neoplastic syndrome. Identifiers: Orphanet 140162, MedGen C0027672, MeSH D009386, MONDO:0015356.
Hereditary breast ovarian cancer syndrome. Also called: Hereditary breast and ovarian cancer; Hereditary breast and ovarian cancer syndrome (HBOC); Hereditary breast and ovarian cancer syndrome; BRCA1- and BRCA2-Associated Hereditary Breast and Ovarian Cancer; Hereditary breast and/or ovarian cancer syndrome; Breast and ovarian cancer. Identifiers: Orphanet 145, MedGen C0677776, MeSH D061325, MONDO:0003582. Disease mechanism: loss of function.

Submissions (3):

Ambry Genetics
Classification: Uncertain significance for Hereditary cancer-predisposing syndrome. Last evaluated: 2024-12-05. Review status: criteria provided, single submitter. Criteria: Ambry Variant Classification Scheme 2023. Collection method: clinical testing. Allele origin: germline.
Comment: The p.C676W variant (also known as c.2028T>G), located in coding exon 10 of the BRCA2 gene, results from a T to G substitution at nucleotide position 2028. The cysteine at codon 676 is replaced by tryptophan, an amino acid with highly dissimilar properties. This amino acid position is poorly conserved in available vertebrate species. In addition, this alteration is predicted to be tolerated by in silico analysis. Based on the available evidence, the clinical significance of this variant remains unclear.

Labcorp Genetics (formerly Invitae), Labcorp
Classification: Uncertain significance for Hereditary breast ovarian cancer syndrome. Last evaluated: 2024-06-02. Review status: criteria provided, single submitter. Criteria: Invitae Variant Classification Sherloc (09022015). Collection method: clinical testing. Allele origin: germline.
Comment: This sequence change replaces cysteine, which is neutral and slightly polar, with tryptophan, which is neutral and slightly polar, at codon 676 of the BRCA2 protein (p.Cys676Trp). This variant is not present in population databases (gnomAD no frequency). This variant has not been reported in the literature in individuals affected with BRCA2-related conditions. ClinVar contains an entry for this variant (Variation ID: 1026201). Advanced modeling of protein sequence and biophysical properties (such as structural, functional, and spatial information, amino acid conservation, physicochemical variation, residue mobility, and thermodynamic stability) performed at Invitae indicates that this missense variant is not expected to disrupt BRCA2 protein function with a negative predictive value of 95%. In summary, the available evidence is currently insufficient to determine the role of this variant in disease. Therefore, it has been classified as a Variant of Uncertain Significance.

University of Washington Department of Laboratory Medicine, University of Washington
Classification: Likely benign for Hereditary cancer-predisposing syndrome. Last evaluated: 2023-03-23. Review status: criteria provided, single submitter. Criteria: Dines et al. (Genet Med. 2020). Collection method: curation. Allele origin: germline.
Comment: Missense variant in a coldspot region where missense variants are very unlikely to be pathogenic (PMID:31911673).

BRCA2 exon 11 coldspot. Reclassification based on statistical prior probability.

NM_000059.4(BRCA2):c.2028T>G (p.Cys676Trp)

Gene: BRCA2 (BRCA2 DNA repair associated; plus strand). Cytogenetic location: 13q13.1.
Variant type: single nucleotide variant.
Coding change: c.2028T>G on transcript NM_000059.4 (MANE Select); coding-DNA position 2028, T replaced by G.
Protein change: p.Cys676Trp; replaces cysteine 676 with tryptophan.
Molecular consequence: missense variant.
Genome position (GRCh38, 1-based): chr13:32,336,383, T>G. VCF-style: chr13-32336383-T-G. GRCh37 (hg19) VCF-style: chr13-32910520-T-G.
Other names: c.2028T>G (NM_000059.3); short protein forms C676W.
Identifiers: ClinVar variation 1026201 (VCV001026201.11), dbSNP rs2072449178, ClinGen allele CA387768865.